The following is an entry in ClinVar:

ClinVar aggregate classification (germline): Pathogenic (1 of 4 stars; one submission).

Conditions:
Bethlem myopathy 1A. Also called: Bethlem Muscular Dystrophy; MYOPATHY, BENIGN CONGENITAL, WITH CONTRACTURES; Bethlem myopathy 1. Identifiers: Orphanet 610, MedGen CN029274, MONDO:0024530, OMIM 158810.

Submission:

Labcorp Genetics (formerly Invitae), Labcorp
Classification: Pathogenic for Bethlem myopathy 1A. Last evaluated: 2019-05-31. Review status: criteria provided, single submitter. Criteria: Invitae Variant Classification Sherloc (09022015). Collection method: clinical testing. Allele origin: germline.
Comment: This sequence change affects a donor splice site in intron 15 of the COL6A3 gene. It is expected to disrupt RNA splicing and likely results in an absent or disrupted protein product. This variant is not present in population databases (ExAC no frequency). Disruption of this splice site has been observed in the heterozygous state in several individuals with COL6A3-related conditions (PMID: 15689448, 17886299, 27708273, Invitae). Donor and acceptor splice site variants typically lead to a loss of protein function (PMID: 16199547), and loss-of-function variants in COL6A3 are known to cause autosomal recessive COL6A3-related disorders (PMID: 20976770). However, splice site variants in COL6A3 have also been reported to cause autosomal dominant COL6A3-related disorders (PMID: 20976770, 15563506, 18366090) For these reasons, this variant has been classified as Pathogenic.

Literature cited by the submitters: PubMed 15689448; PubMed 17886299; PubMed 27708273; PubMed 16199547; PubMed 20976770; PubMed 15563506; PubMed 18366090.

NM_004369.4(COL6A3):c.6156+1G>T

Gene: COL6A3 (collagen type VI alpha 3 chain; minus strand). Cytogenetic location: 2q37.3.
Variant type: single nucleotide variant.
Coding change: c.6156+1G>T on transcript NM_004369.4 (MANE Select); the canonical splice donor site of the intron after coding-DNA position 6156, G replaced by T.
Molecular consequence: splice donor variant.
Genome position (GRCh38, 1-based): chr2:237,361,738, C>A on the plus strand (G>T on the coding strand, the complement: COL6A3 is on the minus strand). VCF-style: chr2-237361738-C-A. GRCh37 (hg19) VCF-style: chr2-238270381-C-A.
Other names: c.4335+1G>T (NM_057166.5); c.5538+1G>T (NM_057167.4).
Identifiers: ClinVar variation 933801 (VCV000933801.10), dbSNP rs1553554298, ClinGen allele CA351217636.